The following is an entry in ClinVar:

NM_018941.4(CLN8):c.298C>T (p.Gln100Ter)

Gene: CLN8 (CLN8 transmembrane ER and ERGIC protein; plus strand). Cytogenetic location: 8p23.3.
Variant type: single nucleotide variant.
Coding change: c.298C>T on transcript NM_018941.4 (MANE Select); coding-DNA position 298, C replaced by T.
Protein change: p.Gln100Ter; replaces glutamine 100 with a stop codon.
Molecular consequence: nonsense.
Genome position (GRCh38, 1-based): chr8:1,771,352, C>T. VCF-style: chr8-1771352-C-T. GRCh37 (hg19) VCF-style: chr8-1719518-C-T.
Other names: short protein forms Q100*.
Identifiers: ClinVar variation 4737598 (VCV004737598.1).

ClinVar aggregate classification (germline): Pathogenic (1 of 4 stars; one submission).

Conditions:
Neuronal ceroid lipofuscinosis. Also called: Neuronal Ceroid Lipofuscinoses. Identifiers: Orphanet 216, Orphanet 79263, MedGen C0027877, MONDO:0016295. Disease mechanism: loss of function.

Submission:

Labcorp Genetics (formerly Invitae), Labcorp
Classification: Pathogenic for Neuronal ceroid lipofuscinosis. Last evaluated: 2025-12-31. Review status: criteria provided, single submitter. Criteria: Invitae Variant Classification Sherloc (09022015). Collection method: clinical testing. Allele origin: germline.
Comment: This sequence change creates a premature translational stop signal (p.Gln100*) in the CLN8 gene. It is expected to result in an absent or disrupted protein product. Loss-of-function variants in CLN8 are known to be pathogenic (PMID: 15024724). This variant is not present in population databases (gnomAD no frequency). This premature translational stop signal has been observed in individual(s) with CLN8-related conditions (PMID: 29422019). For these reasons, this variant has been classified as Pathogenic.

Literature cited by the submitters: PubMed 15024724; PubMed 29422019.